The following is an entry in ClinVar:

ClinVar aggregate classification (germline): Pathogenic (1 of 4 stars; one submission).

Conditions:
Cryopyrin associated periodic syndrome (CAPS). Identifiers: Orphanet 208650, MedGen C2316212, MONDO:0016168.

Submission:

Labcorp Genetics (formerly Invitae), Labcorp
Classification: Pathogenic for Cryopyrin associated periodic syndrome. Last evaluated: 2024-07-19. Review status: criteria provided, single submitter. Criteria: Invitae Variant Classification Sherloc (09022015). Collection method: clinical testing. Allele origin: germline.
Comment: This sequence change replaces phenylalanine, which is neutral and non-polar, with cysteine, which is neutral and slightly polar, at codon 304 of the NLRP3 protein (p.Phe304Cys). This variant is not present in population databases (gnomAD no frequency). This missense change has been observed in individual(s) with clinical features of neonatal onset multisystemic inflammatory disease (Invitae). In at least one individual the variant was observed to be de novo. ClinVar contains an entry for this variant (Variation ID: 837881). Advanced modeling of protein sequence and biophysical properties (such as structural, functional, and spatial information, amino acid conservation, physicochemical variation, residue mobility, and thermodynamic stability) performed at Invitae indicates that this missense variant is expected to disrupt NLRP3 protein function with a positive predictive value of 95%. This variant disrupts the p.Phe304 amino acid residue in NLRP3. Other variant(s) that disrupt this residue have been determined to be pathogenic (PMID: 22279087). This suggests that this residue is clinically significant, and that variants that disrupt this residue are likely to be disease-causing. For these reasons, this variant has been classified as Pathogenic.

Literature cited by the submitters: PubMed 22279087.

NM_001243133.2(NLRP3):c.905T>G (p.Phe302Cys)

Gene: NLRP3 (NLR family pyrin domain containing 3; plus strand). Cytogenetic location: 1q44.
Variant type: single nucleotide variant.
Coding change: c.905T>G on transcript NM_001243133.2 (MANE Select); coding-DNA position 905, T replaced by G.
Protein change: p.Phe302Cys; replaces phenylalanine 302 with cysteine.
Molecular consequence: missense variant.
Genome position (GRCh38, 1-based): chr1:247,424,354, T>G. VCF-style: chr1-247424354-T-G. GRCh37 (hg19) VCF-style: chr1-247587656-T-G.
Other names: c.905T>G, p.Phe302Cys (NM_001079821.3, NM_001127461.3, NM_001127462.3 and 1 more transcripts); c.911T>G, p.Phe304Cys (NM_004895.5); short protein forms F304C, F302C.
Identifiers: ClinVar variation 837881 (VCV000837881.9), dbSNP rs1662701151, ClinGen allele CA345555686.
Genomic context (GRCh38, chr1:247,424,354, plus strand): 5'-ACCCACCCATCCACAAGATCGTGAGAAAACCCTCCAGAATCCTCTTCCTCATGGACGGCT[T>G]CGATGAGCTGCAAGGTGCCTTTGACGAGCACATAGGACCGCTCTGCACTGACTGGCAGAA-3'
Protein context (NP_001230062.1, residues 292-312): PSRILFLMDG[Phe302Cys]DELQGAFDEH